The following is an entry in ClinVar:

NM_001099403.2(PRDM8):c.796A>T (p.Arg266Trp)

Gene: PRDM8 (PR/SET domain 8; plus strand). Cytogenetic location: 4q21.21.
Variant type: single nucleotide variant.
Coding change: c.796A>T on transcript NM_001099403.2 (MANE Select); coding-DNA position 796, A replaced by T.
Protein change: p.Arg266Trp; replaces arginine 266 with tryptophan.
Molecular consequence: missense variant.
Genome position (GRCh38, 1-based): chr4:80,202,258, A>T. VCF-style: chr4-80202258-A-T. GRCh37 (hg19) VCF-style: chr4-81123412-A-T.
Other names: c.796A>T, p.Arg266Trp (NM_020226.4); short protein forms R266W.
Identifiers: ClinVar variation 1958963 (VCV001958963.5), dbSNP rs2475913475, ClinGen allele CA357395242.

ClinVar aggregate classification (germline): Uncertain significance (1 of 4 stars; one submission).

Conditions:
Early-onset Lafora body disease. Also called: Epilepsy, progressive myoclonic, 10. Identifiers: Orphanet 324290, MedGen C4225258, MONDO:0014717, OMIM 616640.

Submission:

Labcorp Genetics (formerly Invitae), Labcorp
Classification: Uncertain significance for Early-onset Lafora body disease. Last evaluated: 2022-03-04. Review status: criteria provided, single submitter. Criteria: Invitae Variant Classification Sherloc (09022015). Collection method: clinical testing. Allele origin: germline.
Comment: Algorithms developed to predict the effect of missense changes on protein structure and function are either unavailable or do not agree on the potential impact of this missense change (SIFT: "Deleterious"; PolyPhen-2: "Probably Damaging"; Align-GVGD: "Class C0"). This sequence change replaces arginine, which is basic and polar, with tryptophan, which is neutral and slightly polar, at codon 266 of the PRDM8 protein (p.Arg266Trp). This variant is not present in population databases (gnomAD no frequency). This variant has not been reported in the literature in individuals affected with PRDM8-related conditions. In summary, the available evidence is currently insufficient to determine the role of this variant in disease. Therefore, it has been classified as a Variant of Uncertain Significance.